The following is an entry in ClinVar:

ClinVar aggregate classification (germline): Uncertain significance (1 of 4 stars; one submission).

Conditions:
Hereditary cancer-predisposing syndrome. Also called: Neoplastic Syndromes, Hereditary; Tumor predisposition; Hereditary Cancer Syndrome; Hereditary neoplastic syndrome. Identifiers: Orphanet 140162, MedGen C0027672, MeSH D009386, MONDO:0015356.

gnomAD v4.1: 2 of 1,614,036 alleles (0.00012%); highest among the groups gnomAD compares: South Asian, 0.0022%; no homozygotes.

Submission:

Ambry Genetics
Classification: Uncertain significance for Hereditary cancer-predisposing syndrome. Last evaluated: 2020-11-09. Review status: criteria provided, single submitter. Criteria: Ambry Variant Classification Scheme 2023. Collection method: clinical testing. Allele origin: germline.
Comment: The p.S278T variant (also known as c.832T>A), located in coding exon 7 of the NBN gene, results from a T to A substitution at nucleotide position 832. The serine at codon 278 is replaced by threonine, an amino acid with similar properties. This amino acid position is not well conserved in available vertebrate species. In addition, this alteration is predicted to be tolerated by in silico analysis. Since supporting evidence is limited at this time, the clinical significance of this alteration remains unclear.

NM_002485.5(NBN):c.832T>A (p.Ser278Thr)

Gene: NBN (nibrin; minus strand). Cytogenetic location: 8q21.3.
Variant type: single nucleotide variant.
Coding change: c.832T>A on transcript NM_002485.5 (MANE Select); coding-DNA position 832, T replaced by A.
Protein change: p.Ser278Thr; replaces serine 278 with threonine.
Molecular consequence: missense variant.
Genome position (GRCh38, 1-based): chr8:89,970,428, A>T on the plus strand (T>A on the coding strand, the complement: NBN is on the minus strand). VCF-style: chr8-89970428-A-T. GRCh37 (hg19) VCF-style: chr8-90982656-A-T.
Other names: c.586T>A, p.Ser196Thr (NM_001024688.3); short protein forms S278T, S196T.
Identifiers: ClinVar variation 1762964 (VCV001762964.2), dbSNP rs1225178489, ClinGen allele CA371658500.